The following is an entry in ClinVar:

NM_001323289.2(CDKL5):c.1237T>A (p.Ser413Thr)

Gene: CDKL5 (cyclin dependent kinase like 5; plus strand). Cytogenetic location: Xp22.13.
Variant type: single nucleotide variant.
Coding change: c.1237T>A on transcript NM_001323289.2 (MANE Select); coding-DNA position 1237, T replaced by A.
Protein change: p.Ser413Thr; replaces serine 413 with threonine.
Molecular consequence: missense variant.
Genome position (GRCh38, 1-based): chrX:18,604,161, T>A. VCF-style: chrX-18604161-T-A. GRCh37 (hg19) VCF-style: chrX-18622281-T-A.
Other names: c.1237T>A, p.Ser413Thr (NM_001037343.2, NM_003159.3); short protein forms S413T.
Identifiers: ClinVar variation 4789424 (VCV004789424.1).
Genomic context (GRCh38, chrX:18,604,161, plus strand): 5'-ACCAGCAAAGATCTCACCAACAACAACATACCACACCTTCTTAGCCCAAAAGAAGCCAAG[T>A]CAAAAACAGAGTTTGATTTTAATATTGACCCAAAGCCTTCAGAAGGCCCAGGGACAAAGT-3'
Protein context (NP_001310218.1, residues 403-423): PHLLSPKEAK[Ser413Thr]KTEFDFNIDP

ClinVar aggregate classification (germline): Uncertain significance (1 of 4 stars; one submission).

Conditions:
Angelman syndrome-like. Identifiers: MedGen CN128785.
Developmental and epileptic encephalopathy, 2 (DEE2). Also called: INFANTILE SPASM SYNDROME, X-LINKED 2; CDKL5 deficiency disorder. Identifiers: Orphanet 1934, Orphanet 3451, Orphanet 505652, MedGen C4750718, MONDO:0010396, OMIM 300672.

Submission:

Labcorp Genetics (formerly Invitae), Labcorp
Classification: Uncertain significance for Developmental and epileptic encephalopathy, 2; Angelman syndrome-like. Last evaluated: 2025-06-24. Review status: criteria provided, single submitter. Criteria: Invitae Variant Classification Sherloc (09022015). Collection method: clinical testing. Allele origin: germline.
Comment: This sequence change replaces serine, which is neutral and polar, with threonine, which is neutral and polar, at codon 413 of the CDKL5 protein (p.Ser413Thr). This variant is not present in population databases (gnomAD no frequency). This variant has not been reported in the literature in individuals affected with CDKL5-related conditions. Invitae Evidence Modeling of protein sequence and biophysical properties (such as structural, functional, and spatial information, amino acid conservation, physicochemical variation, residue mobility, and thermodynamic stability) indicates that this missense variant is not expected to disrupt CDKL5 protein function with a negative predictive value of 95%. In summary, the available evidence is currently insufficient to determine the role of this variant in disease. Therefore, it has been classified as a Variant of Uncertain Significance.